The following is an entry in ClinVar:

NM_005120.3(MED12):c.2153T>C (p.Ile718Thr)

Gene: MED12 (mediator complex subunit 12; plus strand). Cytogenetic location: Xq13.1.
Variant type: single nucleotide variant.
Coding change: c.2153T>C on transcript NM_005120.3 (MANE Select); coding-DNA position 2153, T replaced by C.
Protein change: p.Ile718Thr; replaces isoleucine 718 with threonine.
Molecular consequence: missense variant.
Genome position (GRCh38, 1-based): chrX:71,125,073, T>C. VCF-style: chrX-71125073-T-C. GRCh37 (hg19) VCF-style: chrX-70344923-T-C.
Other names: short protein forms I718T.
Identifiers: ClinVar variation 3634953 (VCV003634953.2).

ClinVar aggregate classification (germline): Uncertain significance (1 of 4 stars; one submission).

Conditions:
FG syndrome (FGS). Identifiers: MedGen C0220769, MONDO:0002010.

Submission:

Labcorp Genetics (formerly Invitae), Labcorp
Classification: Uncertain significance for FG syndrome. Last evaluated: 2025-10-01. Review status: criteria provided, single submitter. Criteria: Invitae Variant Classification Sherloc (09022015). Collection method: clinical testing. Allele origin: germline.
Comment: This sequence change replaces isoleucine, which is neutral and non-polar, with threonine, which is neutral and polar, at codon 718 of the MED12 protein (p.Ile718Thr). This variant is not present in population databases (gnomAD no frequency). This variant has not been reported in the literature in individuals affected with MED12-related conditions. ClinVar contains an entry for this variant (Variation ID: 3634953). Invitae Evidence Modeling of protein sequence and biophysical properties (such as structural, functional, and spatial information, amino acid conservation, physicochemical variation, residue mobility, and thermodynamic stability) indicates that this missense variant is not expected to disrupt MED12 protein function with a negative predictive value of 95%. In summary, the available evidence is currently insufficient to determine the role of this variant in disease. Therefore, it has been classified as a Variant of Uncertain Significance.